The following is an entry in ClinVar:

NM_000492.4(CFTR):c.2195T>C (p.Leu732Ser)

Gene: CFTR (CF transmembrane conductance regulator; plus strand). Cytogenetic location: 7q31.2.
Variant type: single nucleotide variant.
Coding change: c.2195T>C on transcript NM_000492.4 (MANE Select); coding-DNA position 2195, T replaced by C.
Protein change: p.Leu732Ser; replaces leucine 732 with serine.
Molecular consequence: missense variant.
Genome position (GRCh38, 1-based): chr7:117,592,362, T>C. VCF-style: chr7-117592362-T-C. GRCh37 (hg19) VCF-style: chr7-117232416-T-C.
Other names: short protein forms L732S.
Identifiers: ClinVar variation 3491647 (VCV003491647.1).

ClinVar aggregate classification (germline): Uncertain significance (1 of 4 stars; one submission).

Conditions:
Cystic fibrosis (CF). Also called: MUCOVISCIDOSIS. Identifiers: Orphanet 586, MedGen C0010674, MONDO:0009061, OMIM 219700. Disease mechanism: loss of function.

Submission:

Ambry Genetics
Classification: Uncertain significance for Cystic fibrosis. Last evaluated: 2024-08-16. Review status: criteria provided, single submitter. Criteria: Ambry Variant Classification Scheme 2023. Collection method: clinical testing. Allele origin: germline.
Comment: The p.L732S variant (also known as c.2195T>C), located in coding exon 14 of the CFTR gene, results from a T to C substitution at nucleotide position 2195. The leucine at codon 732 is replaced by serine, an amino acid with dissimilar properties. This amino acid position is conserved. In addition, this alteration is predicted to be tolerated by in silico analysis. Based on the available evidence, the clinical significance of this variant remains unclear.